The following is an entry in ClinVar:

ClinVar aggregate classification (germline): Uncertain significance. Review status: criteria provided, multiple submitters, no conflicts (2 of 4 stars). 2 submissions from 2 submitters: Uncertain significance (2). Last evaluated 2025-09-10.

Conditions:
Inborn genetic diseases. Identifiers: MedGen C0950123, MeSH D030342.

Allele frequency attached by ClinVar (database versions not stated): ExAC 0.00001; gnomAD exomes 0.00001; gnomAD 0.00003; TOPMed 0.00004.
gnomAD v4.1: 20 of 1,612,874 alleles (0.0012%); highest among the groups gnomAD compares: African/African-American, 0.02%; no homozygotes.

Submissions (2):

Ambry Genetics
Classification: Uncertain significance for Inborn genetic diseases. Last evaluated: 2025-09-10. Review status: criteria provided, single submitter. Criteria: Ambry Variant Classification Scheme 2023. Collection method: clinical testing. Allele origin: germline.

Labcorp Genetics (formerly Invitae), Labcorp
Classification: Uncertain significance. Last evaluated: 2022-04-12. Review status: criteria provided, single submitter. Criteria: Invitae Variant Classification Sherloc (09022015). Collection method: clinical testing. Allele origin: germline.
Comment: This sequence change replaces valine, which is neutral and non-polar, with isoleucine, which is neutral and non-polar, at codon 3518 of the PCLO protein (p.Val3518Ile). This variant is present in population databases (rs777376053, gnomAD 0.01%). This variant has not been reported in the literature in individuals affected with PCLO-related conditions. Algorithms developed to predict the effect of missense changes on protein structure and function are either unavailable or do not agree on the potential impact of this missense change (SIFT: "Tolerated"; PolyPhen-2: "Not Available"; Align-GVGD: "Class C0"). In summary, the available evidence is currently insufficient to determine the role of this variant in disease. Therefore, it has been classified as a Variant of Uncertain Significance.

NM_033026.6(PCLO):c.10552G>A (p.Val3518Ile)

Gene: PCLO (piccolo presynaptic cytomatrix protein; minus strand). Cytogenetic location: 7q21.11.
Variant type: single nucleotide variant.
Coding change: c.10552G>A on transcript NM_033026.6 (MANE Select); coding-DNA position 10552, G replaced by A.
Protein change: p.Val3518Ile; replaces valine 3518 with isoleucine.
Molecular consequence: missense variant.
Genome position (GRCh38, 1-based): chr7:82,950,036, C>T on the plus strand (G>A on the coding strand, the complement: PCLO is on the minus strand). VCF-style: chr7-82950036-C-T. GRCh37 (hg19) VCF-style: chr7-82579352-C-T.
Other names: c.10552G>A (NM_033026.5); c.10552G>A, p.Val3518Ile (NM_014510.3); short protein forms V3518I.
Identifiers: ClinVar variation 2072196 (VCV002072196.2), dbSNP rs777376053, ClinGen allele CA4319726.